The following is an entry in ClinVar:

NM_133510.4(RAD51B):c.50A>G (p.Asp17Gly)

Gene: RAD51B (RAD51 paralog B; plus strand). Cytogenetic location: 14q24.1.
Variant type: single nucleotide variant.
Coding change: c.50A>G on transcript NM_133510.4 (MANE Select); coding-DNA position 50, A replaced by G.
Protein change: p.Asp17Gly; replaces aspartic acid 17 with glycine.
Molecular consequence: missense variant. On other transcripts: 5 prime UTR variant (2).
Genome position (GRCh38, 1-based): chr14:67,823,593, A>G. VCF-style: chr14-67823593-A-G. GRCh37 (hg19) VCF-style: chr14-68290310-A-G.
Other names: c.50A>G, p.Asp17Gly (NM_001321809.2, NM_001321810.2, NM_001321812.1 and 6 more transcripts); c.-65A>G (NM_001321815.1); c.-406A>G (NM_001321817.2); short protein forms D17G.
Identifiers: ClinVar variation 3942297 (VCV003942297.1).
Genomic context (GRCh38, chr14:67,823,593, plus strand): 5'-GATCTGGAGGCATGGGTAGCAAGAAACTAAAACGAGTGGGTTTATCACAAGAGCTGTGTG[A>G]CCGTCTGAGTAGACATCAGATCCTTACCTGTCAGGTAAATTTTATTTAACATTTTTATTG-3'
Protein context (NP_598194.1, residues 7-27): KRVGLSQELC[Asp17Gly]RLSRHQILTC

ClinVar aggregate classification (germline): Uncertain significance (1 of 4 stars; one submission).

Submission:

Ambry Genetics
Classification: Uncertain significance. Last evaluated: 2025-04-18. Review status: criteria provided, single submitter. Criteria: Ambry Variant Classification Scheme 2023. Collection method: clinical testing. Allele origin: germline.
Comment: The p.D17G variant (also known as c.50A>G), located in coding exon 1 of the RAD51B gene, results from an A to G substitution at nucleotide position 50. The aspartic acid at codon 17 is replaced by glycine, an amino acid with similar properties. This amino acid position is conserved. In addition, this alteration is predicted to be tolerated by in silico analysis. Based on the available evidence, the clinical significance of this variant remains unclear.